The following is an entry in ClinVar:

ClinVar aggregate classification (germline): Uncertain significance (1 of 4 stars; one submission).

Allele frequency attached by ClinVar (database versions not stated): gnomAD exomes below 0.00001.
gnomAD v4.1: 7 of 1,613,704 alleles (0.00043%); highest among the groups gnomAD compares: Admixed American, 0.0033%; no homozygotes.

Submission:

Labcorp Genetics (formerly Invitae), Labcorp
Classification: Uncertain significance. Last evaluated: 2022-10-13. Review status: criteria provided, single submitter. Criteria: Invitae Variant Classification Sherloc (09022015). Collection method: clinical testing. Allele origin: germline.
Comment: This sequence change replaces glutamic acid, which is acidic and polar, with lysine, which is basic and polar, at codon 435 of the TCIRG1 protein (p.Glu435Lys). This variant is present in population databases (no rsID available, gnomAD 0.007%). This variant has not been reported in the literature in individuals affected with TCIRG1-related conditions. Algorithms developed to predict the effect of missense changes on protein structure and function are either unavailable or do not agree on the potential impact of this missense change (SIFT: "Deleterious"; PolyPhen-2: "Probably Damaging"; Align-GVGD: "Class C0"). In summary, the available evidence is currently insufficient to determine the role of this variant in disease. Therefore, it has been classified as a Variant of Uncertain Significance.

NM_006019.4(TCIRG1):c.1303G>A (p.Glu435Lys)

Gene: TCIRG1 (T cell immune regulator 1, ATPase H+ transporting V0 subunit a3; plus strand). Cytogenetic location: 11q13.2.
Variant type: single nucleotide variant.
Coding change: c.1303G>A on transcript NM_006019.4 (MANE Select); coding-DNA position 1303, G replaced by A.
Protein change: p.Glu435Lys; replaces glutamic acid 435 with lysine.
Molecular consequence: missense variant.
Genome position (GRCh38, 1-based): chr11:68,047,570, G>A. VCF-style: chr11-68047570-G-A. GRCh37 (hg19) VCF-style: chr11-67815037-G-A.
Other names: c.409G>A, p.Glu137Lys (NM_001351059.2); c.655G>A, p.Glu219Lys (NM_006053.4); short protein forms E137K, E219K, E435K.
Identifiers: ClinVar variation 1984599 (VCV001984599.1), dbSNP rs1423051176, ClinGen allele CA381582473.